The following is an entry in ClinVar:

ClinVar aggregate classification (germline): Likely pathogenic (1 of 4 stars; one submission).

Submission:

CeGaT Center for Human Genetics Tuebingen
Classification: Likely pathogenic. Last evaluated: 2025-05-01. Review status: criteria provided, single submitter. Criteria: CeGaT Center For Human Genetics Tuebingen Variant Classification Criteria Version 2. Collection method: clinical testing. Allele origin: germline. Affected: yes. Observed: 1 variant allele.
Comment: PAK3: PVS1:Strong, PM2

NM_002578.5(PAK3):c.795_796delinsTT (p.Lys265_Lys266delinsAsnTer)

Gene: PAK3 (p21 (RAC1) activated kinase 3; plus strand). Cytogenetic location: Xq23.
Variant type: Indel.
Coding change: c.795_796delinsTT on transcript NM_002578.5 (MANE Select); coding-DNA positions 795 to 796, GA replaced by TT.
Protein change: p.Lys265_Lys266delinsAsnTer.
Molecular consequence: nonsense. On other transcripts: non-coding transcript variant (2).
Genome position (GRCh38, 1-based): chrX:111,173,046-111,173,047, GA replaced by TT. VCF-style: chrX-111173046-GA-TT. GRCh37 (hg19) VCF-style: chrX-110416274-GA-TT.
Other names: c.840_841delinsTT, p.Lys280_Lys281delinsAsnTer (NM_001324328.2, NM_001324329.2, NM_001324333.2 and 2 more transcripts); c.795_796delinsTT, p.Lys265_Lys266delinsAsnTer (NM_001324330.2, NM_001324331.2, NM_001324332.2 and 5 more transcripts); c.903_904delinsTT, p.Lys301_Lys302delinsAsnTer (NM_001128168.3); c.858_859delinsTT, p.Lys286_Lys287delinsAsnTer (NM_001128172.2).
Identifiers: ClinVar variation 3906113 (VCV003906113.10).
Genomic context (GRCh38, chrX:111,173,046, plus strand): 5'-CCTCTTTTCTTCTCTCCCCACCCATCTCTTAGGAAGCATTGTGAGTGTTGGGGACCCAAA[GA>TT]AAAAATACACAAGATTTGAAAAAATTGGTCAAGGGTAAGTGATTGTTATTTGAAATATAA-3'